The following is an entry in ClinVar:

ClinVar aggregate classification (germline): Uncertain significance. Review status: criteria provided, multiple submitters, no conflicts (2 of 4 stars). 4 submissions from 4 submitters: Uncertain significance (4). Last evaluated 2025-11-10.

Conditions:
Hereditary cancer-predisposing syndrome. Also called: Neoplastic Syndromes, Hereditary; Hereditary neoplastic syndrome; Hereditary Cancer Syndrome; Tumor predisposition. Identifiers: Orphanet 140162, MedGen C0027672, MeSH D009386, MONDO:0015356.
POLD1-related polyposis and colorectal cancer syndrome (CRCS10). Also called: Colorectal cancer, susceptibility to, 10; Colorectal cancer 10; COLORECTAL CANCER, SUSCEPTIBILITY TO, ON CHROMOSOME 19q. Identifiers: Orphanet 220460, MedGen C2675481, MONDO:0012953, OMIM 612591.

Allele frequency attached by ClinVar (database versions not stated): TOPMed below 0.00001; ExAC 0.00002.
gnomAD v4.1: 23 of 1,612,866 alleles (0.0014%); highest among the groups gnomAD compares: Non-Finnish European, 0.0019%; no homozygotes.

Submissions (4):

Labcorp Genetics (formerly Invitae), Labcorp
Classification: Uncertain significance for POLD1-related polyposis and colorectal cancer syndrome. Last evaluated: 2025-11-10. Review status: criteria provided, single submitter. Criteria: Invitae Variant Classification Sherloc (09022015). Collection method: clinical testing. Allele origin: germline.
Comment: This sequence change replaces threonine, which is neutral and polar, with asparagine, which is neutral and polar, at codon 640 of the POLD1 protein (p.Thr640Asn). This variant is present in population databases (rs771527077, gnomAD 0.003%). This variant has not been reported in the literature in individuals affected with POLD1-related conditions. ClinVar contains an entry for this variant (Variation ID: 407955). Invitae Evidence Modeling of protein sequence and biophysical properties (such as structural, functional, and spatial information, amino acid conservation, physicochemical variation, residue mobility, and thermodynamic stability) indicates that this missense variant is expected to disrupt POLD1 protein function with a positive predictive value of 80%. In summary, the available evidence is currently insufficient to determine the role of this variant in disease. Therefore, it has been classified as a Variant of Uncertain Significance.

Ambry Genetics
Classification: Uncertain significance for Hereditary cancer-predisposing syndrome. Last evaluated: 2023-12-21. Review status: criteria provided, single submitter. Criteria: Ambry Variant Classification Scheme 2023. Collection method: clinical testing. Allele origin: germline.
Comment: The p.T640N variant (also known as c.1919C>A), located in coding exon 15 of the POLD1 gene, results from a C to A substitution at nucleotide position 1919. The threonine at codon 640 is replaced by asparagine, an amino acid with similar properties. This amino acid position is conserved. In addition, this alteration is predicted to be tolerated by in silico analysis. Since supporting evidence is limited at this time, the clinical significance of this alteration remains unclear.

GeneDx
Classification: Uncertain significance. Last evaluated: 2021-01-13. Review status: criteria provided, single submitter. Criteria: GeneDx Variant Classification Process June 2021. Collection method: clinical testing. Allele origin: germline. Affected: yes.
Comment: Not observed at a significant frequency in large population cohorts (Lek 2016); In silico analysis supports that this missense variant has a deleterious effect on protein structure/function; Has not been previously published as pathogenic or benign to our knowledge

Breakthrough Genomics
Classification: Uncertain significance. Review status: criteria provided, single submitter. Criteria: ACMG Guidelines, 2015. Collection method: not provided. Allele origin: germline. Inheritance: Autosomal dominant inheritance. Affected: yes.

NM_002691.4(POLD1):c.1919C>A (p.Thr640Asn)

Gene: POLD1 (DNA polymerase delta 1, catalytic subunit; plus strand). Cytogenetic location: 19q13.33.
Variant type: single nucleotide variant.
Coding change: c.1919C>A on transcript NM_002691.4 (MANE Select); coding-DNA position 1919, C replaced by A.
Protein change: p.Thr640Asn; replaces threonine 640 with asparagine.
Molecular consequence: missense variant. On other transcripts: non-coding transcript variant (1).
Genome position (GRCh38, 1-based): chr19:50,409,148, C>A. VCF-style: chr19-50409148-C-A. GRCh37 (hg19) VCF-style: chr19-50912405-C-A.
Other names: c.1919C>A, p.Thr640Asn (NM_001256849.1); c.1997C>A, p.Thr666Asn (NM_001308632.1); short protein forms T640N, T666N.
Identifiers: ClinVar variation 407955 (VCV000407955.13), dbSNP rs771527077, ClinGen allele CA9596325.